The following is an entry in ClinVar:

ClinVar aggregate classification (germline): Uncertain significance. Review status: criteria provided, multiple submitters, no conflicts (2 of 4 stars). 3 submissions from 3 submitters: Uncertain significance (3). Last evaluated 2026-01-06.

Conditions:
NOTCH2-related disorder. Also called: NOTCH2-related condition.

Allele frequency attached by ClinVar (database versions not stated): gnomAD exomes below 0.00001.
gnomAD v4.1: 1 of 1,614,118 alleles (0.000062%); highest among the groups gnomAD compares: Non-Finnish European, 0.000085%; no homozygotes.

Submissions (3):

PreventionGenetics, part of Exact Sciences
Classification: Uncertain significance for NOTCH2-related condition. Last evaluated: 2026-01-06. Review status: criteria provided, single submitter. Criteria: ACMG Guidelines, 2015. Collection method: clinical testing. Allele origin: germline.
Comment: The NOTCH2 c.965A>G variant is predicted to result in the amino acid substitution p.Tyr322Cys. To our knowledge, this variant has not been reported in the literature or in a large population database (gnomAD), indicating this variant is rare. At this time, the clinical significance of this variant is uncertain due to the absence of conclusive functional and genetic evidence.

GeneDx
Classification: Uncertain significance. Last evaluated: 2023-03-06. Review status: criteria provided, single submitter. Criteria: GeneDx Variant Classification Process June 2021. Collection method: clinical testing. Allele origin: germline. Affected: yes.
Comment: Not observed at significant frequency in large population cohorts (gnomAD); In silico analysis supports that this missense variant has a deleterious effect on protein structure/function; Has not been previously published as pathogenic or benign to our knowledge

Eurofins Ntd Llc (ga)
Classification: Uncertain significance. Last evaluated: 2017-10-19. Review status: criteria provided, single submitter. Criteria: EGL Classification Definitions 2015. Collection method: clinical testing. Allele origin: germline. Observed: 1 variant allele, 1 heterozygote.

NM_024408.4(NOTCH2):c.965A>G (p.Tyr322Cys)

Gene: NOTCH2 (notch receptor 2; minus strand). Cytogenetic location: 1p12.
Variant type: single nucleotide variant.
Coding change: c.965A>G on transcript NM_024408.4 (MANE Select); coding-DNA position 965, A replaced by G.
Protein change: p.Tyr322Cys; replaces tyrosine 322 with cysteine.
Molecular consequence: missense variant.
Genome position (GRCh38, 1-based): chr1:119,969,654, T>C on the plus strand (A>G on the coding strand, the complement: NOTCH2 is on the minus strand). VCF-style: chr1-119969654-T-C. GRCh37 (hg19) VCF-style: chr1-120512277-T-C.
Other names: c.965A>G, p.Tyr322Cys (NM_001200001.2); c.965A>G (NM_024408.3); short protein forms Y322C.
Identifiers: ClinVar variation 594625 (VCV000594625.7), dbSNP rs1557826779, ClinGen allele CA341883116.